The following is an entry in ClinVar:

NM_001374736.1(DST):c.4929+39G>A

Gene: DST (dystonin; minus strand). Cytogenetic location: 6p12.1.
Variant type: single nucleotide variant.
Coding change: c.4929+39G>A on transcript NM_001374736.1 (MANE Select); 39 bases into the intron after coding-DNA position 4929, G replaced by A.
Molecular consequence: intron variant.
Genome position (GRCh38, 1-based): chr6:56,624,491, C>T on the plus strand (G>A on the coding strand, the complement: DST is on the minus strand). VCF-style: chr6-56624491-C-T. GRCh37 (hg19) VCF-style: chr6-56489289-C-T.
Other names: c.4830+39G>A (NM_001144769.5); c.4929+39G>A (NM_001374722.1); c.4956+39G>A (NM_001374734.1); c.4416+39G>A (NM_001144770.2); c.4296+39G>A (NM_001374730.1, NM_001386100.1, NM_183380.4 and 1 more transcripts); c.3318+39G>A (NM_015548.5, NM_001723.7).
Identifiers: ClinVar variation 2656675 (VCV002656675.24), dbSNP rs377217977, ClinGen allele CA3870759.

ClinVar aggregate classification (germline): Benign (1 of 4 stars; one submission).

Allele frequency attached by ClinVar (database versions not stated): 1000 Genomes Project 30x 0.00187; ExAC 0.00189; 1000 Genomes Project 0.00200; ESP Exome Variant Server 0.00008; TOPMed 0.00008; gnomAD 0.00036.
gnomAD v4.1: 1,069 of 1,384,510 alleles (0.077%); highest among the groups gnomAD compares: South Asian, 1.2%; 21 homozygotes.

Submission:

CeGaT Center for Human Genetics Tuebingen
Classification: Benign. Last evaluated: 2025-03-01. Review status: criteria provided, single submitter. Criteria: CeGaT Center For Human Genetics Tuebingen Variant Classification Criteria Version 2. Collection method: clinical testing. Allele origin: germline. Affected: yes. Observed: 2 variant alleles.
Comment: DST: BP4, BP7, BS1, BS2